The following is an entry in ClinVar:

NM_145054.5(CFAP52):c.1185C>T (p.Asp395=)

Gene: CFAP52 (cilia and flagella associated protein 52; plus strand). Cytogenetic location: 17p13.1.
Variant type: single nucleotide variant.
Coding change: c.1185C>T on transcript NM_145054.5 (MANE Select); coding-DNA position 1185, C replaced by T.
Protein change: p.Asp395=; no amino-acid change (aspartic acid 395 retained).
Molecular consequence: synonymous variant.
Genome position (GRCh38, 1-based): chr17:9,632,898, C>T. VCF-style: chr17-9632898-C-T. GRCh37 (hg19) VCF-style: chr17-9536215-C-T.
Other names: c.981C>T, p.Asp327= (NM_001080556.2).
Identifiers: ClinVar variation 544339 (VCV000544339.20), dbSNP rs149428354, ClinGen allele CA8382156.

ClinVar aggregate classification (germline): Benign/Likely benign. Review status: criteria provided, multiple submitters, no conflicts (2 of 4 stars). 3 submissions from 3 submitters: Benign (2); Likely benign (1). Last evaluated 2026-08-01.

Conditions:
Situs inversus. Also called: Situs inversus totalis. Identifiers: Orphanet 101063, MedGen C4551493, MONDO:0010029, HP:0001696.

Allele frequency attached by ClinVar (database versions not stated): 1000 Genomes Project 30x 0.00078; 1000 Genomes Project 0.00080; ExAC 0.00411; ESP Exome Variant Server 0.00415; gnomAD exomes 0.00429 and 0.00536; gnomAD 0.00432 and 0.00454; TOPMed 0.00450.
gnomAD v4.1: 8,525 of 1,614,020 alleles (0.53%); highest among the groups gnomAD compares: Non-Finnish European, 0.59%; 34 homozygotes.

Submissions (3):

CeGaT Center for Human Genetics Tuebingen
Classification: Likely benign. Last evaluated: 2026-08-01. Review status: criteria provided, single submitter. Criteria: CeGaT Center For Human Genetics Tuebingen Variant Classification Criteria Version 2. Collection method: clinical testing. Allele origin: germline. Affected: yes. Observed: 2 variant alleles.
Comment: CFAP52: BP4, BP7, BS2

Labcorp Genetics (formerly Invitae), Labcorp
Classification: Benign for Situs inversus. Last evaluated: 2026-01-11. Review status: criteria provided, single submitter. Criteria: Invitae Variant Classification Sherloc (09022015). Collection method: clinical testing. Allele origin: germline.

Breakthrough Genomics
Classification: Benign. Review status: criteria provided, single submitter. Criteria: ACMG Guidelines, 2015. Collection method: not provided. Allele origin: germline. Inheritance: Autosomal recessive inheritance. Affected: yes.